The following is an entry in ClinVar:

ClinVar aggregate classification (germline): Uncertain significance (1 of 4 stars; one submission).

Conditions:
Renal cysts and diabetes syndrome (RCAD). Also called: MATURITY-ONSET DIABETES OF THE YOUNG, TYPE 5; Familial hypoplastic, glomerulocystic kidney. Identifiers: Orphanet 93111, MedGen C0431693, MONDO:0007669, OMIM 137920.

Submission:

MVZ Medizinische Genetik Mainz
Classification: Uncertain significance for Renal cysts and diabetes syndrome. Last evaluated: 2022-12-07. Review status: criteria provided, single submitter. Criteria: UK Practice Guidelines For Variant Classification V4 01 2020. Collection method: clinical testing. Allele origin: germline. Inheritance: Autosomal dominant inheritance. Affected: yes. Observed: 1 variant allele.
Comment: ACMG Criteria: PM2_SUP, PP3, PP4 (ACMG Version 4)

NM_000458.4(HNF1B):c.89T>C (p.Leu30Ser)

Gene: HNF1B (HNF1 homeobox B; minus strand). Cytogenetic location: 17q12.
Variant type: single nucleotide variant.
Coding change: c.89T>C on transcript NM_000458.4 (MANE Select); coding-DNA position 89, T replaced by C.
Protein change: p.Leu30Ser; replaces leucine 30 with serine.
Molecular consequence: missense variant.
Genome position (GRCh38, 1-based): chr17:37,744,796, A>G on the plus strand (T>C on the coding strand, the complement: HNF1B is on the minus strand). VCF-style: chr17-37744796-A-G. GRCh37 (hg19) VCF-style: chr17-36104787-A-G.
Other names: c.89T>C, p.Leu30Ser (NM_001165923.4, NM_001304286.2, NM_001411100.1); short protein forms L30S.
Identifiers: ClinVar variation 3236187 (VCV003236187.1), dbSNP rs2511852918, ClinGen allele CA398754638.